The following is an entry in ClinVar:

ClinVar aggregate classification (germline): Likely benign. Review status: criteria provided, multiple submitters, no conflicts (2 of 4 stars). 2 submissions from 2 submitters: Likely benign (2). Last evaluated 2017-04-27.

Conditions:
Autosomal dominant nonsyndromic hearing loss 5. Identifiers: Orphanet 90635, MedGen C1832932, MONDO:0010973, OMIM 600994.

Allele frequency attached by ClinVar (database versions not stated): TOPMed 0.00135; gnomAD 0.00162; 1000 Genomes Project 30x 0.00437; 1000 Genomes Project 0.00459.
gnomAD v4.1: 506 of 1,008,412 alleles (0.05%); highest among the groups gnomAD compares: African/African-American, 0.51%; 1 homozygote.

Submissions (2):

Illumina Laboratory Services, Illumina
Classification: Likely benign for Autosomal dominant nonsyndromic hearing loss 5. Last evaluated: 2017-04-27. Review status: criteria provided, single submitter. Criteria: ICSL Variant Classification Criteria 13 December 2019. Collection method: clinical testing. Allele origin: germline.
Comment: This variant was observed as part of a predisposition screen in an ostensibly healthy population. A literature search was performed for the gene, cDNA change, and amino acid change (where applicable). No publications were found based on this search. Allele frequency data from public databases allowed determination this variant is unlikely to cause disease. Therefore, this variant is classified as likely benign.

Breakthrough Genomics
Classification: Likely benign. Review status: criteria provided, single submitter. Criteria: ACMG Guidelines, 2015. Collection method: not provided. Allele origin: germline. Inheritance: Autosomal dominant inheritance. Affected: yes.

NM_001127453.2(GSDME):c.*72C>T

Gene: GSDME (gasdermin E; minus strand). Cytogenetic location: 7p15.3.
Variant type: single nucleotide variant.
Coding change: c.*72C>T on transcript NM_001127453.2 (MANE Select); 72 bases downstream of the stop codon, C replaced by T.
Molecular consequence: 3 prime UTR variant.
Genome position (GRCh38, 1-based): chr7:24,698,954, G>A on the plus strand (C>T on the coding strand, the complement: GSDME is on the minus strand). VCF-style: chr7-24698954-G-A. GRCh37 (hg19) VCF-style: chr7-24738573-G-A.
Other names: c.*72C>T (NM_001127454.2, NM_004403.3).
Identifiers: ClinVar variation 359835 (VCV000359835.6), dbSNP rs115865539, ClinGen allele CA10625873.